The following is an entry in ClinVar:

ClinVar aggregate classification (germline): Benign/Likely benign. Review status: criteria provided, multiple submitters, no conflicts (2 of 4 stars). 5 submissions from 5 submitters: Benign (1); Likely benign (4). Last evaluated 2023-07-26.

Conditions:
Hereditary cancer-predisposing syndrome. Also called: Neoplastic Syndromes, Hereditary; Hereditary Cancer Syndrome; Tumor predisposition; Hereditary neoplastic syndrome. Identifiers: Orphanet 140162, MedGen C0027672, MeSH D009386, MONDO:0015356.
Familial adenomatous polyposis 2. Also called: MUTYH-associated polyposis; MUTYH Polyposis; FAP type 2; Adenomas, multiple colorectal; COLORECTAL ADENOMATOUS POLYPOSIS, AUTOSOMAL RECESSIVE; ADENOMAS, MULTIPLE COLORECTAL, AUTOSOMAL RECESSIVE. Identifiers: Orphanet 220460, Orphanet 247798, MedGen C3272841, MONDO:0012041, OMIM 608456.

Allele frequency attached by ClinVar (database versions not stated): gnomAD exomes 0.00001.
gnomAD v4.1: 4 of 1,614,166 alleles (0.00025%); highest among the groups gnomAD compares: Non-Finnish European, 0.00034%; no homozygotes.

Submissions (5):

Labcorp Genetics (formerly Invitae), Labcorp
Classification: Likely benign for Familial adenomatous polyposis 2. Last evaluated: 2023-07-26. Review status: criteria provided, single submitter. Criteria: Invitae Variant Classification Sherloc (09022015). Collection method: clinical testing. Allele origin: germline.

All of Us Research Program, National Institutes of Health
Classification: Likely benign for Familial adenomatous polyposis 2. Last evaluated: 2023-04-03. Review status: criteria provided, single submitter. Criteria: ACMG Guidelines, 2015. Collection method: clinical testing. Allele origin: germline. Inheritance: Autosomal recessive inheritance. Observed: 1 variant allele, 1 heterozygote.
Comment: This study involves interpretation of variants in research participants for the purpose of population health screening. Participant phenotype was not available at the time of variant classification. Additional details can be found in publication PMID: 35346344, PMCID: PMC8962531

Color Diagnostics, LLC DBA Color Health
Classification: Likely benign for Hereditary cancer-predisposing syndrome. Last evaluated: 2017-05-09. Review status: criteria provided, single submitter. Criteria: ACMG Guidelines, 2015. Collection method: clinical testing. Allele origin: germline.

Ambry Genetics
Classification: Likely benign for Hereditary cancer-predisposing syndrome. Last evaluated: 2015-12-10. Review status: criteria provided, single submitter. Criteria: Ambry Variant Classification Scheme 2023. Collection method: clinical testing. Allele origin: germline.

GeneDx
Classification: Benign. Last evaluated: 2014-06-20. Review status: criteria provided, single submitter. Criteria: GeneDx Variant Classification (06012015). Collection method: clinical testing. Allele origin: germline. Affected: yes.
Comment: This variant is considered likely benign or benign based on one or more of the following criteria: it is a conservative change, it occurs at a poorly conserved position in the protein, it is predicted to be benign by multiple in silico algorithms, and/or has population frequency not consistent with disease.

NM_001048174.2(MUTYH):c.543G>A (p.Gln181=)

Gene: MUTYH (mutY DNA glycosylase; minus strand). Cytogenetic location: 1p34.1.
Variant type: single nucleotide variant.
Coding change: c.543G>A on transcript NM_001048174.2 (MANE Select); coding-DNA position 543, G replaced by A.
Protein change: p.Gln181=; no amino-acid change (glutamine 181 retained).
Molecular consequence: synonymous variant. On other transcripts: non-coding transcript variant (2).
Genome position (GRCh38, 1-based): chr1:45,332,637, C>T on the plus strand (G>A on the coding strand, the complement: MUTYH is on the minus strand). VCF-style: chr1-45332637-C-T. GRCh37 (hg19) VCF-style: chr1-45798309-C-T.
Other names: p.Q209Q:CAG>CAA; c.543G>A, p.Gln181= (NM_001048171.2, NM_001048173.2, NM_001293195.2); c.546G>A, p.Gln182= (NM_001048172.2); c.627G>A, p.Gln209= (NM_001128425.2); c.588G>A, p.Gln196= (NM_001293190.2); c.576G>A, p.Gln192= (NM_001293191.2); c.267G>A, p.Gln89= (NM_001293192.2, NM_001293196.2); c.198G>A, p.Gln66= (NM_001350650.2, NM_001350651.2); and 1 more.
Identifiers: ClinVar variation 182698 (VCV000182698.66), dbSNP rs730881837, ClinGen allele CA013999.